The following is an entry in ClinVar:

NM_201253.3(CRB1):c.1704T>A (p.His568Gln)

Gene: CRB1 (crumbs cell polarity complex component 1; plus strand). Cytogenetic location: 1q31.3.
Variant type: single nucleotide variant.
Coding change: c.1704T>A on transcript NM_201253.3 (MANE Select); coding-DNA position 1704, T replaced by A.
Protein change: p.His568Gln; replaces histidine 568 with glutamine.
Molecular consequence: missense variant. On other transcripts: non-coding transcript variant (2).
Genome position (GRCh38, 1-based): chr1:197,421,532, T>A. VCF-style: chr1-197421532-T-A. GRCh37 (hg19) VCF-style: chr1-197390662-T-A.
Other names: c.1368T>A, p.His456Gln (NM_001193640.2); c.1497T>A, p.His499Gln (NM_001257965.2); c.1704T>A, p.His568Gln (NM_001257966.2); short protein forms H499Q, H568Q, H456Q.
Identifiers: ClinVar variation 2109055 (VCV002109055.4), dbSNP rs2528109691, ClinGen allele CA344032178.

ClinVar aggregate classification (germline): Uncertain significance (1 of 4 stars; one submission).

Conditions:
Leber congenital amaurosis 8 (LCA8). Identifiers: Orphanet 65, MedGen C3151202, MONDO:0013453, OMIM 613835.
Retinitis pigmentosa 12 (RP12). Also called: RP WITH OR WITHOUT PPRPE; RP WITH OR WITHOUT PRESERVED PARAARTERIOLE RETINAL PIGMENT EPITHELIUM; RETINITIS PIGMENTOSA WITH OR WITHOUT PARAARTERIOLAR PRESERVATION OF RETINAL PIGMENT EPITHELIUM. Identifiers: Orphanet 791, MedGen C1838647, MONDO:0010818, OMIM 600105.

Submission:

Labcorp Genetics (formerly Invitae), Labcorp
Classification: Uncertain significance for Leber congenital amaurosis 8; Retinitis pigmentosa 12. Last evaluated: 2022-03-11. Review status: criteria provided, single submitter. Criteria: Invitae Variant Classification Sherloc (09022015). Collection method: clinical testing. Allele origin: germline.
Comment: In summary, the available evidence is currently insufficient to determine the role of this variant in disease. Therefore, it has been classified as a Variant of Uncertain Significance. Advanced modeling of protein sequence and biophysical properties (such as structural, functional, and spatial information, amino acid conservation, physicochemical variation, residue mobility, and thermodynamic stability) performed at Invitae indicates that this missense variant is expected to disrupt CRB1 protein function. This variant has not been reported in the literature in individuals affected with CRB1-related conditions. This variant is not present in population databases (gnomAD no frequency). This sequence change replaces histidine, which is basic and polar, with glutamine, which is neutral and polar, at codon 568 of the CRB1 protein (p.His568Gln).